The following is an entry in ClinVar:

ClinVar aggregate classification (germline): Uncertain significance. Review status: criteria provided, multiple submitters, no conflicts (2 of 4 stars). 2 submissions from 2 submitters: Uncertain significance (2). Last evaluated 2025-02-06.

Conditions:
Dilated cardiomyopathy 1W (CMD1W). Identifiers: Orphanet 154, MedGen C1969639, MONDO:0012667, OMIM 611407.
Cardiovascular phenotype. Identifiers: MedGen CN230736.

Submissions (2):

Ambry Genetics
Classification: Uncertain significance for Cardiovascular phenotype. Last evaluated: 2025-02-06. Review status: criteria provided, single submitter. Criteria: Ambry Variant Classification Scheme 2023. Collection method: clinical testing. Allele origin: germline.

Labcorp Genetics (formerly Invitae), Labcorp
Classification: Uncertain significance for Dilated cardiomyopathy 1W. Last evaluated: 2022-03-26. Review status: criteria provided, single submitter. Criteria: Invitae Variant Classification Sherloc (09022015). Collection method: clinical testing. Allele origin: germline.
Comment: Algorithms developed to predict the effect of missense changes on protein structure and function are either unavailable or do not agree on the potential impact of this missense change (SIFT: "Not Available"; PolyPhen-2: "Probably Damaging"; Align-GVGD: "Not Available"). This variant has not been reported in the literature in individuals affected with VCL-related conditions. This variant is not present in population databases (gnomAD no frequency). This sequence change replaces glycine, which is neutral and non-polar, with aspartic acid, which is acidic and polar, at codon 1010 of the VCL protein (p.Gly1010Asp). In summary, the available evidence is currently insufficient to determine the role of this variant in disease. Therefore, it has been classified as a Variant of Uncertain Significance.

NM_014000.3(VCL):c.3029G>A (p.Gly1010Asp)

Gene: VCL (vinculin; plus strand). Cytogenetic location: 10q22.2.
Variant type: single nucleotide variant.
Coding change: c.3029G>A on transcript NM_014000.3 (MANE Select); coding-DNA position 3029, G replaced by A.
Protein change: p.Gly1010Asp; replaces glycine 1010 with aspartic acid.
Molecular consequence: missense variant.
Genome position (GRCh38, 1-based): chr10:74,114,263, G>A. VCF-style: chr10-74114263-G-A. GRCh37 (hg19) VCF-style: chr10-75874021-G-A.
Other names: c.2825G>A, p.Gly942Asp (NM_003373.4); c.3029G>A (NM_014000.2); short protein forms G1010D, G942D.
Identifiers: ClinVar variation 1412342 (VCV001412342.7), dbSNP rs2131939845, ClinGen allele CA377266705.